The following continues an entry in ClinVar:

NM_003002.4(SDHD):c.112C>T (p.Arg38Ter)

Gene: SDHD. ClinVar aggregate classification (germline): Pathogenic. Pathogenic (11).

Submissions 10 to 14 of 14:

Human Genome Sequencing Center Clinical Lab, Baylor College of Medicine
Classification: Pathogenic for paragangliomas 1. Last evaluated: 2019-01-30. Review status: criteria provided, single submitter. Criteria: ACMG Guidelines, 2015. Collection method: clinical testing. Allele origin: unknown.
Comment: The c.112C>T (p.Arg38*) variant in the SDHD gene is located in exon 2 and introduces an early stop codon. It is predicted to result in an absent or disrupted protein product. This variant has been reported in multiple individuals affected with paraganglioma and pheochromocytoma (PMID: 10657297, 11156372, 11897817, 12000816, 15328326, 19825962, 19454582, 21348866, 30484866) and segregated with disease (PMID: 10657297, 19454582, 21348866, 30484866). Loss-of-function variants in SDHD gene are known to be pathogenic (PMID: 10657297, 12111639, 11343322). This variant has been classified as pathogenic by multiple submitters in ClinVar (ID: 6893). This variant is absent in the general population database (gnomAD). Therefore, this variant is classified as pathogenic.

Laboratory for Molecular Medicine, Mass General Brigham Personalized Medicine
Classification: Pathogenic for Hereditary pheochromocytoma and paraganglioma. Last evaluated: 2017-03-01. Review status: criteria provided, single submitter. Criteria: LMM Criteria. Collection method: clinical testing. Allele origin: germline. Inheritance: Autosomal dominant inheritance. Observed: 1 variant allele.
Comment: The p.Arg38X variant in SDHD has been reported in at least 9 individuals with SD HD-associated cancers, segregated with disease in at least 10 affected relatives from multiple families (Gimm 2000, Baysal 2000;2002,Neumann 2004, Erlic 2009, B urnichon 2009, Hensen 2012, ClinVar ID#6893), and was absent from large populati on studies. This nonsense variant leads to a premature termination codon at posi tion 38, which is predicted to lead to a truncated or absent protein. Heterozygo us loss of function of the SDHD gene is an established disease mechanism in indi viduals with hereditary paragangliomas and pheochromocytomas. In summary, this v ariant meets criteria to be classified as pathogenic for hereditary paragangliom as and pheochromocytomas in an autosomal dominant manner based upon segregation studies and the predicted impact to the protein.

OMIM
Classification: Pathogenic for PHEOCHROMOCYTOMA/PARAGANGLIOMA SYNDROME 1. Last evaluated: 2002-05-09. Review status: no assertion criteria provided. Collection method: literature only. Allele origin: germline. Not counted in ClinVar's aggregate classification.

GeneReviews
No classification provided. Condition: Hereditary pheochromocytoma and paraganglioma. Review status: no classification provided. Collection method: literature only. Allele origin: unknown. Not counted in ClinVar's aggregate classification.

Section on Medical Neuroendocrinolgy, National Institutes of Health
Classification: Pathogenic for Hereditary pheochromocytoma and paraganglioma. Review status: no assertion criteria provided. Collection method: research. Allele origin: germline. Affected: no. Not counted in ClinVar's aggregate classification.

Literature cited by the submitters: PubMed 19454582 (cited by 6 submitters); PubMed 15883710 (cited by Institute for Genomic Medicine (IGM) Clinical Laboratory, Nationwide Children's Hospital); PubMed 10657297 (cited by 9 submitters); PubMed 12000816 (cited by 8 submitters); PubMed 15328326 (cited by 6 submitters); PubMed 17563904 (cited by 3 submitters); PubMed 20418362 (cited by 3 submitters); PubMed 19825962 (cited by 8 submitters); PubMed 19802898 (cited by Labcorp Genetics (formerly Invitae), Labcorp and Quest Diagnostics Nichols Institute San Juan Capistrano); PubMed 11156372 (cited by 8 submitters); PubMed 11897817 (cited by 6 submitters); PubMed 21348866 (cited by 5 submitters); PubMed 26269449 (cited by Labcorp Genetics (formerly Invitae), Labcorp and Quest Diagnostics Nichols Institute San Juan Capistrano); PubMed 30484866 (cited by 4 submitters); PubMed 11343322 (cited by All of Us Research Program, National Institutes of Health); PubMed 12111639 (cited by All of Us Research Program, National Institutes of Health); PubMed 11391798 (cited by Quest Diagnostics Nichols Institute San Juan Capistrano and GeneReviews); PubMed 32561571 (cited by Quest Diagnostics Nichols Institute San Juan Capistrano); PubMed 34750850 (cited by Quest Diagnostics Nichols Institute San Juan Capistrano); PubMed 35668420 (cited by Quest Diagnostics Nichols Institute San Juan Capistrano); PubMed 33219105 (cited by Quest Diagnostics Nichols Institute San Juan Capistrano); PubMed 12218630 (cited by Quest Diagnostics Nichols Institute San Juan Capistrano); PubMed 12811540 (cited by Quest Diagnostics Nichols Institute San Juan Capistrano); PubMed 15774781 (cited by Quest Diagnostics Nichols Institute San Juan Capistrano); PubMed 15905695 (cited by Quest Diagnostics Nichols Institute San Juan Capistrano); PubMed 23512077 (cited by Quest Diagnostics Nichols Institute San Juan Capistrano); PubMed 25058219 (cited by Quest Diagnostics Nichols Institute San Juan Capistrano); PubMed 27153395 (cited by Quest Diagnostics Nichols Institute San Juan Capistrano); PubMed 27700540 (cited by Quest Diagnostics Nichols Institute San Juan Capistrano); PubMed 27913608 (cited by Quest Diagnostics Nichols Institute San Juan Capistrano); PubMed 28552549 (cited by Quest Diagnostics Nichols Institute San Juan Capistrano); PubMed 32035780 (cited by Quest Diagnostics Nichols Institute San Juan Capistrano); PubMed 34439168 (cited by Quest Diagnostics Nichols Institute San Juan Capistrano); PubMed 35966080 (cited by Quest Diagnostics Nichols Institute San Juan Capistrano); PubMed 38144572 (cited by Quest Diagnostics Nichols Institute San Juan Capistrano); PubMed 15066320 (cited by Quest Diagnostics Nichols Institute San Juan Capistrano); PubMed 22566157 (cited by Quest Diagnostics Nichols Institute San Juan Capistrano); PubMed 25791839 (cited by Quest Diagnostics Nichols Institute San Juan Capistrano); PubMed 27073498 (cited by Quest Diagnostics Nichols Institute San Juan Capistrano); PubMed 27867439 (cited by Quest Diagnostics Nichols Institute San Juan Capistrano); PubMed 27856506 (cited by Quest Diagnostics Nichols Institute San Juan Capistrano); PubMed 29504908 (cited by Quest Diagnostics Nichols Institute San Juan Capistrano); PubMed 30951038 (cited by Quest Diagnostics Nichols Institute San Juan Capistrano); PubMed 31834447 (cited by Quest Diagnostics Nichols Institute San Juan Capistrano); PubMed 32971818 (cited by Quest Diagnostics Nichols Institute San Juan Capistrano); PubMed 33391357 (cited by Quest Diagnostics Nichols Institute San Juan Capistrano); PubMed 34072806 (cited by Quest Diagnostics Nichols Institute San Juan Capistrano); PubMed 12364472 (cited by Quest Diagnostics Nichols Institute San Juan Capistrano); PubMed 20301715 (cited by GeneReviews); NCBI Bookshelf NBK1548 (cited by GeneReviews).